The following is an entry in ClinVar:

NM_000138.5(FBN1):c.1471G>T (p.Val491Phe)

Gene: FBN1 (fibrillin 1; minus strand). Cytogenetic location: 15q21.1.
Variant type: single nucleotide variant.
Coding change: c.1471G>T on transcript NM_000138.5 (MANE Select); coding-DNA position 1471, G replaced by T.
Protein change: p.Val491Phe; replaces valine 491 with phenylalanine.
Molecular consequence: missense variant.
Genome position (GRCh38, 1-based): chr15:48,513,666, C>A on the plus strand (G>T on the coding strand, the complement: FBN1 is on the minus strand). VCF-style: chr15-48513666-C-A. GRCh37 (hg19) VCF-style: chr15-48805863-C-A.
Other names: short protein forms V491F.
Identifiers: ClinVar variation 1171533 (VCV001171533.2), dbSNP rs373751659, ClinGen allele CA392342866.

ClinVar aggregate classification (germline): Uncertain significance (1 of 4 stars; one submission).

Conditions:
Familial thoracic aortic aneurysm and aortic dissection (TAAD). Also called: Thoracic aortic aneurysms and dissections. Identifiers: Orphanet 91387, MedGen C4707243, MONDO:0019625.

gnomAD v4.1: 2 of 1,613,944 alleles (0.00012%); highest among the groups gnomAD compares: South Asian, 0.0022%; no homozygotes.

Submission:

Color Diagnostics, LLC DBA Color Health
Classification: Uncertain significance for Familial thoracic aortic aneurysm and aortic dissection. Last evaluated: 2020-09-28. Review status: criteria provided, single submitter. Criteria: ACMG Guidelines, 2015. Collection method: clinical testing. Allele origin: germline.
Comment: This missense variant replaces valine with phenylalanine at codon 491 of the FBN1 protein. Computational prediction suggests that this variant may not impact protein structure and function (internally defined REVEL score threshold <= 0.5, PMID: 27666373). To our knowledge, functional studies have not been reported for this variant. This variant has not been reported in individuals affected with cardiovascular disorders in the literature. This variant has been identified in 2/250956 chromosomes in the general population by the Genome Aggregation Database (gnomAD). The available evidence is insufficient to determine the role of this variant in disease conclusively. Therefore, this variant is classified as a Variant of Uncertain Significance.